The following is an entry in ClinVar:

NM_004360.5(CDH1):c.1955dup (p.Leu652fs)

Gene: CDH1 (cadherin 1; plus strand). Cytogenetic location: 16q22.1.
Variant type: Duplication.
Coding change: c.1955dup on transcript NM_004360.5 (MANE Select); coding-DNA position 1955, one base duplicated (T; older notation c.1955dupT).
Protein change: p.Leu652fs; shifts the reading frame from leucine 652.
Molecular consequence: frameshift variant. On other transcripts: 5 prime UTR variant (1).
Genome position (GRCh38, 1-based): chr16:68,823,417, T duplicated; the last of 4 consecutive T bases (chr16:68,823,414-68,823,417); duplicating any one gives the same sequence. VCF-style (leftmost placement, unchanged base first): chr16-68823413-A-AT. GRCh37 (hg19) VCF-style: chr16-68857316-A-AT.
Other names: c.1772dup, p.Leu591fs (NM_001317184.2); c.407dup, p.Leu136fs (NM_001317185.2); c.-11dup (NM_001317186.2); short protein forms L136fs, L591fs, L652fs.
Identifiers: ClinVar variation 2583559 (VCV002583559.2), dbSNP rs1961224452, ClinGen allele CA2582342534.

ClinVar aggregate classification (germline): Pathogenic (1 of 4 stars; one submission).

Conditions:
Hereditary diffuse gastric adenocarcinoma (HDGC). Also called: DIFFUSE GASTRIC AND LOBULAR BREAST CANCER SYNDROME. Identifiers: Orphanet 26106, MedGen C1708349, MONDO:0007648, OMIM 137215.

Submission:

Myriad Genetics, Inc.
Classification: Pathogenic for Hereditary diffuse gastric adenocarcinoma. Last evaluated: 2023-06-15. Review status: criteria provided, single submitter. Criteria: Myriad Autosomal Dominant, Autosomal Recessive and X-Linked Classification Criteria (2023). Collection method: clinical testing. Allele origin: unknown.
Comment: This variant is considered pathogenic. This variant creates a frameshift predicted to result in premature protein truncation.